The following is an entry in ClinVar:

ClinVar aggregate classification (germline): Uncertain significance (1 of 4 stars; one submission).

Allele frequency attached by ClinVar (database versions not stated): gnomAD exomes below 0.00001; TOPMed below 0.00001.
gnomAD v4.1: 1 of 1,614,048 alleles (0.000062%); highest among the groups gnomAD compares: African/African-American, 0.0013%; no homozygotes.

Submission:

GeneDx
Classification: Uncertain significance. Last evaluated: 2022-08-12. Review status: criteria provided, single submitter. Criteria: GeneDx Variant Classification Process June 2021. Collection method: clinical testing. Allele origin: germline. Affected: yes.
Comment: Not observed at significant frequency in large population cohorts (gnomAD); In silico analysis supports that this missense variant has a deleterious effect on protein structure/function; Has not been previously published as pathogenic or benign to our knowledge

NM_201269.3(ZNF644):c.1145T>C (p.Phe382Ser)

Gene: ZNF644 (zinc finger protein 644; minus strand). Cytogenetic location: 1p22.2.
Variant type: single nucleotide variant.
Coding change: c.1145T>C on transcript NM_201269.3 (MANE Select); coding-DNA position 1145, T replaced by C.
Protein change: p.Phe382Ser; replaces phenylalanine 382 with serine.
Molecular consequence: missense variant. On other transcripts: intron variant (2).
Genome position (GRCh38, 1-based): chr1:90,940,209, A>G on the plus strand (T>C on the coding strand, the complement: ZNF644 is on the minus strand). VCF-style: chr1-90940209-A-G. GRCh37 (hg19) VCF-style: chr1-91405766-A-G.
Other names: c.23-22055T>C (NM_032186.5, NM_016620.4); short protein forms F382S.
Identifiers: ClinVar variation 2429728 (VCV002429728.1), dbSNP rs1651802228, ClinGen allele CA341057608.